The following is an entry in ClinVar:

ClinVar aggregate classification (germline): Uncertain significance (1 of 4 stars; one submission).

Conditions:
PAX6-related disorder. Also called: PAX6-related disorders; PAX6-related condition.

gnomAD v4.1: 1 of 1,614,192 alleles (0.000062%); highest among the groups gnomAD compares: African/African-American, 0.0013%; no homozygotes.

Submission:

PreventionGenetics, part of Exact Sciences
Classification: Uncertain significance for PAX6-related condition. Last evaluated: 2026-09-08. Review status: criteria provided, single submitter. Criteria: ACMG Guidelines, 2015. Collection method: clinical testing. Allele origin: germline.
Comment: The PAX6 c.515C>T variant is predicted to result in the amino acid substitution p.Thr172Ile. To our knowledge, this variant has not been reported in the literature. This variant is present in 0.0062% of alleles in individuals of African descent in gnomAD. At this time, the clinical significance of this variant is uncertain due to the absence of conclusive functional and genetic evidence.

NM_001368894.2(PAX6):c.515C>T (p.Thr172Ile)

Gene: PAX6 (paired box 6; minus strand). Cytogenetic location: 11p13.
Variant type: single nucleotide variant.
Coding change: c.515C>T on transcript NM_001368894.2 (MANE Select); coding-DNA position 515, C replaced by T.
Protein change: p.Thr172Ile; replaces threonine 172 with isoleucine.
Molecular consequence: missense variant. On other transcripts: non-coding transcript variant (2).
Genome position (GRCh38, 1-based): chr11:31,800,741, G>A on the plus strand (C>T on the coding strand, the complement: PAX6 is on the minus strand). VCF-style: chr11-31800741-G-A. GRCh37 (hg19) VCF-style: chr11-31822289-G-A.
Other names: c.473C>T, p.Thr158Ile (NM_000280.6, NM_001127612.3, NM_001258464.2 and 10 more transcripts); c.515C>T, p.Thr172Ile (NM_001258462.3, NM_001258463.2, NM_001310158.2 and 6 more transcripts); c.65C>T, p.Thr22Ile (NM_001310160.2, NM_001310161.3, NM_001368899.2 and 11 more transcripts); c.716C>T, p.Thr239Ile (NM_001368910.2); c.518C>T, p.Thr173Ile (NM_001368911.2); c.590C>T, p.Thr197Ile (NM_001368918.2, NM_001368919.2); c.548C>T, p.Thr183Ile (NM_001368920.2); c.314C>T, p.Thr105Ile (NM_001368921.2, NM_001368922.2, NM_001368923.2 and 4 more transcripts); and 1 more; short protein forms T158I, T172I, T173I, T197I, T105I, T183I, T22I, T239I.
Identifiers: ClinVar variation 4992315 (VCV004992315.1).